The following is an entry in ClinVar:

ClinVar aggregate classification (germline): Likely benign (1 of 4 stars; one submission).

Submission:

CeGaT Center for Human Genetics Tuebingen
Classification: Likely benign. Last evaluated: 2022-11-01. Review status: criteria provided, single submitter. Criteria: CeGaT Center For Human Genetics Tuebingen Variant Classification Criteria Version 2. Collection method: clinical testing. Allele origin: germline. Affected: yes. Observed: 1 variant allele.
Comment: INTS15: PM2:Supporting, BP4, BP7

NM_024067.4(INTS15):c.162G>A (p.Gln54=)

Gene: INTS15 (integrator complex subunit 15; plus strand). Cytogenetic location: 7p22.1.
Variant type: single nucleotide variant.
Coding change: c.162G>A on transcript NM_024067.4 (MANE Select); coding-DNA position 162, G replaced by A.
Protein change: p.Gln54=; no amino-acid change (glutamine 54 retained).
Molecular consequence: synonymous variant.
Genome position (GRCh38, 1-based): chr7:6,590,445, G>A. VCF-style: chr7-6590445-G-A. GRCh37 (hg19) VCF-style: chr7-6630076-G-A.
Other names: c.162G>A, p.Gln54= (NM_001303039.2).
Identifiers: ClinVar variation 2657308 (VCV002657308.24), dbSNP rs2534481383, ClinGen allele CA453656216.